The following is an entry in ClinVar:

ClinVar aggregate classification (germline): Pathogenic/Likely pathogenic. Review status: criteria provided, multiple submitters, no conflicts (2 of 4 stars). 5 submissions from 5 submitters: Pathogenic (3); Likely pathogenic (1). 1 of the submissions does not count toward it. Last evaluated 2025-12-09.

Conditions:
PCDH15-related disorder. Also called: PCDH15-related condition; PCDH15-related disorders.
Autosomal recessive nonsyndromic hearing loss 23. Identifiers: Orphanet 90636, MedGen C1836027, MONDO:0012293, OMIM 609533.
Usher syndrome type 1F (USH1F). Also called: USHER SYNDROME, TYPE IF. Identifiers: Orphanet 231169, Orphanet 886, MedGen C1865885, MONDO:0011186, OMIM 602083.

Allele frequency attached by ClinVar (database versions not stated): TOPMed below 0.00001.
gnomAD v4.1: 1 of 1,613,154 alleles (0.000062%); highest among the groups gnomAD compares: Middle Eastern, 0.016%; no homozygotes.

Submissions (5):

Genetics Research Center, University of Social Welfare and Rehabilitation Sciences
Classification: Pathogenic for Autosomal recessive nonsyndromic hearing loss 23. Last evaluated: 2025-12-09. Review status: criteria provided, single submitter. Criteria: ACMG Guidelines, 2015. Collection method: research. Allele origin: germline. Affected: yes.
Comment: The variant is not present in the gnomAD v2.1.1 dataset and has been previously reported in individual(s) affected with PCDH15-related hearing loss (PMID:31704577, 32747562). It is a stop-gain mutation expected to disrupt normal protein function either through nonsense-mediated decay (NMD) or by producing a truncated protein.

King Laboratory, University of Washington
Classification: Pathogenic for Autosomal recessive nonsyndromic hearing loss 23. Last evaluated: 2020-08-01. Review status: criteria provided, single submitter. Criteria: Abu Rayyan A et al. (Proc Natl Acad Sci U S A 2020). Collection method: research. Allele origin: germline. Affected: yes.
Comment: PCDH15 c.4726C>T, p.Q1576* is a founder mutation in the Palestinian population that creates a nonsense mutation in the last exon of PCDH15 isoform CD2, which is critical for hearing. The variant is homozygous in 14 children from 6 Palestinian families with moderate pre-lingual, non-syndromic hearing loss. The variant is absent from 1300 Palestinian controls and absent from gnomAD v2.1.1.

Blueprint Genetics
Classification: Likely pathogenic for PCDH15-related disorders. Last evaluated: 2018-10-31. Review status: criteria provided, single submitter. Criteria: ACMG Guidelines, 2015. Collection method: clinical testing. Allele origin: germline. Affected: yes. Observed: 3 variant alleles.

Kariminejad - Najmabadi Pathology & Genetics Center
Classification: Pathogenic for Usher syndrome type 1F. Review status: criteria provided, single submitter. Criteria: ACMG Guidelines, 2015. Collection method: clinical testing. Allele origin: germline. Affected: no.

Hereditary Research Laboratory, Bethlehem University
Classification: Pathogenic for Autosomal recessive nonsyndromic hearing loss 23. Last evaluated: 2016-06-04. Review status: no assertion criteria provided. Collection method: research. Allele origin: germline. Affected: yes. Not counted in ClinVar's aggregate classification.

Literature cited by the submitters: PubMed 31704577 (cited by Genetics Research Center, University of Social Welfare and Rehabilitation Sciences); PubMed 32747562 (cited by Genetics Research Center, University of Social Welfare and Rehabilitation Sciences).

NM_001384140.1(PCDH15):c.4671+1217C>T

Gene: PCDH15 (protocadherin related 15; minus strand). Cytogenetic location: 10q21.1.
Variant type: single nucleotide variant.
Coding change: c.4671+1217C>T on transcript NM_001384140.1 (MANE Select); 1217 bases into the intron after coding-DNA position 4671, C replaced by T.
Molecular consequence: intron variant. On other transcripts: nonsense (2), 3 prime UTR variant (1).
Genome position (GRCh38, 1-based): chr10:53,809,339, G>A on the plus strand (C>T on the coding strand, the complement: PCDH15 is on the minus strand). VCF-style: chr10-53809339-G-A. GRCh37 (hg19) VCF-style: chr10-55569099-G-A.
Other names: c.4726C>T, p.Gln1576Ter (NM_001142769.4); c.*141C>T (NM_001142770.3); c.4705C>T, p.Gln1569Ter (NM_001354411.2); c.4476+1217C>T (NM_001354420.2); c.4605+1217C>T (NM_001354429.2); c.4482+1217C>T (NM_001142772.2); c.4497+1217C>T (NM_001142771.2); short protein forms Q1576*, Q1569*.
Identifiers: ClinVar variation 402273 (VCV000402273.6), dbSNP rs1056396947, ClinGen allele CA16609567.
Genomic context (GRCh38, chr10:53,809,339, plus strand): 5'-CTTCCTCTTGGTCCAGAGTGAGTTTCAAATAATCTTTATCTTCTTCCTCAAGGCGTCTCT[G>A]CCACTCTTCACCCTCAAGGTCAACGATTCCTCTTTTATCAGCTAATCCTCTAACTTTCTT-3'